The following is an entry in ClinVar:

ClinVar aggregate classification (germline): Pathogenic (1 of 4 stars; one submission).

Conditions:
Hereditary diffuse gastric adenocarcinoma (HDGC). Also called: DIFFUSE GASTRIC AND LOBULAR BREAST CANCER SYNDROME. Identifiers: Orphanet 26106, MedGen C1708349, MONDO:0007648, OMIM 137215.

Submission:

Myriad Genetics, Inc.
Classification: Pathogenic for Hereditary diffuse gastric adenocarcinoma. Last evaluated: 2023-06-08. Review status: criteria provided, single submitter. Criteria: Myriad Autosomal Dominant, Autosomal Recessive and X-Linked Classification Criteria (2023). Collection method: clinical testing. Allele origin: unknown.
Comment: This variant is considered pathogenic. This variant creates a frameshift predicted to result in premature protein truncation.

NM_004360.5(CDH1):c.333del (p.Thr112fs)

Gene: CDH1 (cadherin 1; plus strand). Cytogenetic location: 16q22.1.
Variant type: Deletion.
Coding change: c.333del on transcript NM_004360.5 (MANE Select); coding-DNA position 333, one base deleted (C; older notation c.333delC).
Protein change: p.Thr112fs; shifts the reading frame from threonine 112.
Molecular consequence: frameshift variant. On other transcripts: 5 prime UTR variant (2).
Genome position (GRCh38, 1-based): chr16:68,801,839, C deleted; the last of 2 consecutive C bases (chr16:68,801,838-68,801,839); deleting either gives the same sequence. VCF-style (leftmost placement, unchanged base first): chr16-68801837-TC-T. GRCh37 (hg19) VCF-style: chr16-68835740-TC-T.
Other names: c.333del, p.Thr112fs (NM_001317184.2); c.-1283del (NM_001317185.2); c.-1487del (NM_001317186.2); short protein forms T112fs.
Identifiers: ClinVar variation 2583792 (VCV002583792.2), dbSNP rs2543905568, ClinGen allele CA2582342557.